The following is an entry in ClinVar:

ClinVar aggregate classification (germline): Uncertain significance. Review status: criteria provided, multiple submitters, no conflicts (2 of 4 stars). 2 submissions from 2 submitters: Uncertain significance (2). Last evaluated 2023-03-09.

Conditions:
Hereditary cancer-predisposing syndrome. Also called: Neoplastic Syndromes, Hereditary; Hereditary Cancer Syndrome; Tumor predisposition; Hereditary neoplastic syndrome. Identifiers: Orphanet 140162, MedGen C0027672, MeSH D009386, MONDO:0015356.
Familial cancer of breast. Also called: hereditary breast carcinoma; BREAST CANCER, FAMILIAL; Hereditary breast cancer. Identifiers: Orphanet 227535, MedGen C0346153, MONDO:0016419, OMIM 114480. Disease mechanism: loss of function.

Submissions (2):

Ambry Genetics
Classification: Uncertain significance for Hereditary cancer-predisposing syndrome. Last evaluated: 2023-03-09. Review status: criteria provided, single submitter. Criteria: Ambry Variant Classification Scheme 2023. Collection method: clinical testing. Allele origin: germline.
Comment: The p.A35G variant (also known as c.104C>G), located in coding exon 1 of the BARD1 gene, results from a C to G substitution at nucleotide position 104. The alanine at codon 35 is replaced by glycine, an amino acid with similar properties. This amino acid position is well conserved in available vertebrate species. In addition, this alteration is predicted to be tolerated by in silico analysis. Since supporting evidence is limited at this time, the clinical significance of this alteration remains unclear.

Labcorp Genetics (formerly Invitae), Labcorp
Classification: Uncertain significance for Familial cancer of breast. Last evaluated: 2021-06-19. Review status: criteria provided, single submitter. Criteria: Invitae Variant Classification Sherloc (09022015). Collection method: clinical testing. Allele origin: germline.
Comment: In summary, the available evidence is currently insufficient to determine the role of this variant in disease. Therefore, it has been classified as a Variant of Uncertain Significance. Algorithms developed to predict the effect of missense changes on protein structure and function (SIFT, PolyPhen-2, Align-GVGD) all suggest that this variant is likely to be tolerated, but these predictions have not been confirmed by published functional studies and their clinical significance is uncertain. This variant has not been reported in the literature in individuals with BARD1-related conditions. This variant is not present in population databases (ExAC no frequency). This sequence change replaces alanine with glycine at codon 35 of the BARD1 protein (p.Ala35Gly). The alanine residue is moderately conserved and there is a small physicochemical difference between alanine and glycine.

NM_000465.4(BARD1):c.104C>G (p.Ala35Gly)

Gene: BARD1 (BRCA1 associated RING domain 1; minus strand). Cytogenetic location: 2q35.
Variant type: single nucleotide variant.
Coding change: c.104C>G on transcript NM_000465.4 (MANE Select); coding-DNA position 104, C replaced by G.
Protein change: p.Ala35Gly; replaces alanine 35 with glycine.
Molecular consequence: missense variant. On other transcripts: non-coding transcript variant (3).
Genome position (GRCh38, 1-based): chr2:214,809,466, G>C on the plus strand (C>G on the coding strand, the complement: BARD1 is on the minus strand). VCF-style: chr2-214809466-G-C. GRCh37 (hg19) VCF-style: chr2-215674190-G-C.
Other names: c.104C>G (NM_000465.2); c.104C>G, p.Ala35Gly (NM_001282543.2, NM_001282545.2, NM_001282548.2 and 1 more transcripts); short protein forms A35G.
Identifiers: ClinVar variation 1475011 (VCV001475011.10), dbSNP rs786203646, ClinGen allele CA350465020.